The following is an entry in ClinVar:

NM_139319.3(SLC17A8):c.1095C>T (p.Ile365=)

Gene: SLC17A8 (solute carrier family 17 member 8; plus strand). Cytogenetic location: 12q23.1.
Variant type: single nucleotide variant.
Coding change: c.1095C>T on transcript NM_139319.3 (MANE Select); coding-DNA position 1095, C replaced by T.
Protein change: p.Ile365=; no amino-acid change (isoleucine 365 retained).
Molecular consequence: synonymous variant.
Genome position (GRCh38, 1-based): chr12:100,404,079, C>T. VCF-style: chr12-100404079-C-T. GRCh37 (hg19) VCF-style: chr12-100797857-C-T.
Other names: c.945C>T, p.Ile315= (NM_001145288.2); c.1095C>T (NM_139319.2).
Identifiers: ClinVar variation 2414175 (VCV002414175.10), dbSNP rs112540425, ClinGen allele CA6738932.
Genomic context (GRCh38, chr12:100,404,079, plus strand): 5'-CTGTTTCTTTCCCTTCCAGGTGGGTCTCTTGTCAGCAGTCCCACACATGGTTATGACAAT[C>T]GTTGTACCTATTGGAGGACAATTGGCTGATTATTTAAGAAGCAGACAAATTTTAACCACA-3'
Protein context (NP_647480.1, residues 355-375): LSAVPHMVMT[Ile365=]VVPIGGQLAD

ClinVar aggregate classification (germline): Likely benign. Review status: criteria provided, multiple submitters, no conflicts (2 of 4 stars). 3 submissions from 3 submitters: Likely benign (2). 1 of the submissions does not count toward it. Last evaluated 2026-01-02.

Conditions:
SLC17A8-related disorder. Also called: SLC17A8-related condition.

Allele frequency attached by ClinVar (database versions not stated): ExAC 0.00012; 1000 Genomes Project 30x 0.00016; 1000 Genomes Project 0.00020.
gnomAD v4.1: 41 of 1,614,086 alleles (0.0025%); highest among the groups gnomAD compares: East Asian, 0.047%; 1 homozygote.

Submissions (3):

Labcorp Genetics (formerly Invitae), Labcorp
Classification: Likely benign. Last evaluated: 2026-01-02. Review status: criteria provided, single submitter. Criteria: Invitae Variant Classification Sherloc (09022015). Collection method: clinical testing. Allele origin: germline.

Blueprint Genetics
Classification: Likely benign. Last evaluated: 2024-11-27. Review status: criteria provided, single submitter. Criteria: ACMG Guidelines, 2015. Collection method: clinical testing. Allele origin: germline.

PreventionGenetics, part of Exact Sciences
Classification: Likely benign for SLC17A8-related condition. Last evaluated: 2019-03-29. Review status: no assertion criteria provided. Collection method: clinical testing. Allele origin: germline. Not counted in ClinVar's aggregate classification.
Comment: This variant is classified as likely benign based on ACMG/AMP sequence variant interpretation guidelines (Richards et al. 2015 PMID: 25741868, with internal and published modifications).